The following is an entry in ClinVar:

NM_152743.4(BRAT1):c.803+7G>T

Gene: BRAT1 (BRCA1 associated ATM activator 1; minus strand). Cytogenetic location: 7p22.3.
Variant type: single nucleotide variant.
Coding change: c.803+7G>T on transcript NM_152743.4 (MANE Select); 7 bases into the intron after coding-DNA position 803, G replaced by T.
Molecular consequence: intron variant.
Genome position (GRCh38, 1-based): chr7:2,543,583, C>A on the plus strand (G>T on the coding strand, the complement: BRAT1 is on the minus strand). VCF-style: chr7-2543583-C-A. GRCh37 (hg19) VCF-style: chr7-2583217-C-A.
Other names: c.278+7G>T (NM_001350627.2); c.803+7G>T (NM_001350626.2).
Identifiers: ClinVar variation 1513804 (VCV001513804.8), dbSNP rs538152635, ClinGen allele CA2573142005.

ClinVar aggregate classification (germline): Uncertain significance (1 of 4 stars; one submission).

Conditions:
Neonatal-onset encephalopathy with rigidity and seizures. Also called: Lethal neonatal spasticity-epileptic encephalopathy syndrome. Identifiers: Orphanet 435845, MedGen C3281029, MONDO:0013784, OMIM 614498.

Submission:

Labcorp Genetics (formerly Invitae), Labcorp
Classification: Uncertain significance for Neonatal-onset encephalopathy with rigidity and seizures. Last evaluated: 2021-06-17. Review status: criteria provided, single submitter. Criteria: Invitae Variant Classification Sherloc (09022015). Collection method: clinical testing. Allele origin: germline.
Comment: This variant has not been reported in the literature in individuals with BRAT1-related conditions. In summary, the available evidence is currently insufficient to determine the role of this variant in disease. Therefore, it has been classified as a Variant of Uncertain Significance. Algorithms developed to predict the effect of sequence changes on RNA splicing suggest that this variant may create or strengthen a splice site, but this prediction has not been confirmed by published transcriptional studies. This variant is not present in population databases (ExAC no frequency). This sequence change falls in intron 5 of the BRAT1 gene. It does not directly change the encoded amino acid sequence of the BRAT1 protein.